The following is an entry in ClinVar:

NM_006059.4(LAMC3):c.809+2T>G

Gene: LAMC3 (laminin subunit gamma 3; plus strand). Cytogenetic location: 9q34.12.
Variant type: single nucleotide variant.
Coding change: c.809+2T>G on transcript NM_006059.4 (MANE Select); the canonical splice donor site of the intron after coding-DNA position 809, T replaced by G.
Molecular consequence: splice donor variant.
Genome position (GRCh38, 1-based): chr9:131,032,177, T>G. VCF-style: chr9-131032177-T-G. GRCh37 (hg19) VCF-style: chr9-133907564-T-G.
Identifiers: ClinVar variation 1504302 (VCV001504302.6), dbSNP rs1564368059, ClinGen allele CA375254775.

ClinVar aggregate classification (germline): Likely pathogenic (1 of 4 stars; one submission).

Allele frequency attached by ClinVar (database versions not stated): gnomAD exomes below 0.00001.
gnomAD v4.1: 4 of 1,532,838 alleles (0.00026%); highest among the groups gnomAD compares: Non-Finnish European, 0.00035%; no homozygotes.

Submission:

Labcorp Genetics (formerly Invitae), Labcorp
Classification: Likely pathogenic. Last evaluated: 2021-12-02. Review status: criteria provided, single submitter. Criteria: Invitae Variant Classification Sherloc (09022015). Collection method: clinical testing. Allele origin: germline.
Comment: In summary, the currently available evidence indicates that the variant is pathogenic, but additional data are needed to prove that conclusively. Therefore, this variant has been classified as Likely Pathogenic. Algorithms developed to predict the effect of sequence changes on RNA splicing suggest that this variant may disrupt the consensus splice site. This variant has not been reported in the literature in individuals affected with LAMC3-related conditions. This variant is present in population databases (no rsID available, gnomAD 0.0009%). This sequence change affects a donor splice site in intron 3 of the LAMC3 gene. It is expected to disrupt RNA splicing. Variants that disrupt the donor or acceptor splice site typically lead to a loss of protein function (PMID: 16199547), and loss-of-function variants in LAMC3 are known to be pathogenic (PMID: 21572413, 26802095).

Literature cited by the submitters: PubMed 16199547; PubMed 21572413; PubMed 26802095.